The following is an entry in ClinVar:

NM_000535.7(PMS2):c.251-9C>G

Gene: PMS2 (PMS1 homolog 2, mismatch repair system component; minus strand). Cytogenetic location: 7p22.1.
Variant type: single nucleotide variant.
Coding change: c.251-9C>G on transcript NM_000535.7 (MANE Select); 9 bases into the intron before coding-DNA position 251, C replaced by G.
Molecular consequence: intron variant.
Genome position (GRCh38, 1-based): chr7:6,003,801, G>C on the plus strand (C>G on the coding strand, the complement: PMS2 is on the minus strand). VCF-style: chr7-6003801-G-C. GRCh37 (hg19) VCF-style: chr7-6043432-G-C.
Other names: c.35+171C>G (NM_001322008.2, NM_001322007.2); c.-155-9C>G (NM_001322010.2, NM_001322004.2, NM_001322013.2 and 3 more transcripts); c.-634-9C>G (NM_001322012.2, NM_001322011.2); c.-234-9C>G (NM_001322015.2); c.251-9C>G (NM_001322006.2, NM_001322014.2).
Identifiers: ClinVar variation 419095 (VCV000419095.18), dbSNP rs1064793639, ClinGen allele CA16618537.
Genomic context (GRCh38, chr7:6,003,801, plus strand): 5'-ACCTGAGTTAGGTCGGCAAACTCTTGAATCTTAGATGTGTGATGTTTCAGAGCTGAAAGA[G>C]AGTGTAAAGTAAGGACTAAGATATCTCAAGTGCTATAACAACAAAATATACATGATATCT-3'

ClinVar aggregate classification (germline): Conflicting classifications of pathogenicity. Review status: criteria provided, conflicting classifications (1 of 4 stars). 6 submissions from 6 submitters: Uncertain significance (2); Likely benign (3). 1 of the submissions does not count toward it. Last evaluated 2025-07-09.

Conditions:
Hereditary cancer-predisposing syndrome. Also called: Hereditary neoplastic syndrome; Tumor predisposition; Neoplastic Syndromes, Hereditary; Hereditary Cancer Syndrome. Identifiers: Orphanet 140162, MedGen C0027672, MeSH D009386, MONDO:0015356.
PMS2-related disorder. Also called: PMS2-related condition.
Hereditary nonpolyposis colorectal neoplasms. Identifiers: MedGen C0009405, MeSH D003123.
Mismatch repair cancer syndrome 4. Identifiers: MedGen C5436817, MONDO:0030843, OMIM 619101.

Allele frequency attached by ClinVar (database versions not stated): gnomAD exomes below 0.00001; gnomAD 0.00001; TOPMed 0.00001.
gnomAD v4.1: 4 of 1,561,314 alleles (0.00026%); highest among the groups gnomAD compares: Non-Finnish European, 0.00026%; no homozygotes.

Submissions (6):

Labcorp Genetics (formerly Invitae), Labcorp
Classification: Likely benign for Hereditary nonpolyposis colorectal neoplasms. Last evaluated: 2025-07-09. Review status: criteria provided, single submitter. Criteria: Invitae Variant Classification Sherloc (09022015). Collection method: clinical testing. Allele origin: germline.

Women's Health and Genetics/Laboratory Corporation of America, LabCorp
Classification: Likely benign. Last evaluated: 2024-12-12. Review status: criteria provided, single submitter. Criteria: LabCorp Variant Classification Summary - May 2015. Collection method: clinical testing. Allele origin: germline.

Department of Pathology and Laboratory Medicine, Sinai Health System
Classification: Uncertain significance for Mismatch repair cancer syndrome 4. Last evaluated: 2019-10-29. Review status: criteria provided, single submitter. Criteria: ACMG Guidelines, 2015. Collection method: clinical testing. Allele origin: germline. Affected: yes.

GeneDx
Classification: Uncertain significance. Last evaluated: 2018-10-17. Review status: criteria provided, single submitter. Criteria: GeneDx Variant Classification (06012015). Collection method: clinical testing. Allele origin: germline. Affected: yes.
Comment: This variant is denoted PMS2 c.251-9C>G or IVS3-9C>G and consists of a C>G nucleotide substitution at the -9 position of intron 3 of the PMS2 gene. In silico analyses, which include splice predictors and evolutionary conservation, are inconsistent in their assessment as to whether or not the variant is damaging. This variant has not, to our knowledge, been published in the literature as a pathogenic or benign germline variant. This variant was not observed in large population cohorts (Lek 2016). Based on currently available evidence, it is unclear whether PMS2 c.251-9C>G is a pathogenic or benign variant. We consider it to be a variant of uncertain significance.

Color Diagnostics, LLC DBA Color Health
Classification: Likely benign for Hereditary cancer-predisposing syndrome. Last evaluated: 2017-08-31. Review status: criteria provided, single submitter. Criteria: ACMG Guidelines, 2015. Collection method: clinical testing. Allele origin: germline.

PreventionGenetics, part of Exact Sciences
Classification: Likely benign for PMS2-related condition. Last evaluated: 2019-12-31. Review status: no assertion criteria provided. Collection method: clinical testing. Allele origin: germline. Not counted in ClinVar's aggregate classification.
Comment: This variant is classified as likely benign based on ACMG/AMP sequence variant interpretation guidelines (Richards et al. 2015 PMID: 25741868, with internal and published modifications).